The following is an entry in ClinVar:

ClinVar aggregate classification (germline): Conflicting classifications of pathogenicity. Review status: criteria provided, conflicting classifications (1 of 4 stars). 3 submissions from 3 submitters: Likely pathogenic (1); Uncertain significance (2). Last evaluated 2024-06-02.

Conditions:
Tip-toe gait. Also called: Toe walking. Identifiers: MedGen C0427144, HP:0030051.

Allele frequency attached by ClinVar (database versions not stated): TOPMed 0.00001.
gnomAD v4.1: 31 of 1,614,000 alleles (0.0019%); highest among the groups gnomAD compares: South Asian, 0.0066%; no homozygotes.

Submissions (3):

Ambry Genetics
Classification: Uncertain significance. Last evaluated: 2024-06-02. Review status: criteria provided, single submitter. Criteria: Ambry Variant Classification Scheme 2023. Collection method: clinical testing. Allele origin: germline.

Labcorp Genetics (formerly Invitae), Labcorp
Classification: Uncertain significance. Last evaluated: 2021-11-07. Review status: criteria provided, single submitter. Criteria: Invitae Variant Classification Sherloc (09022015). Collection method: clinical testing. Allele origin: germline.
Comment: This sequence change replaces valine, which is neutral and non-polar, with leucine, which is neutral and non-polar, at codon 1579 of the SBF1 protein (p.Val1579Leu). This variant is present in population databases (no rsID available, gnomAD 0.002%). This variant has not been reported in the literature in individuals affected with SBF1-related conditions. Algorithms developed to predict the effect of missense changes on protein structure and function are either unavailable or do not agree on the potential impact of this missense change (SIFT: "Deleterious"; PolyPhen-2: "Benign"; Align-GVGD: "Class C0"). In summary, the available evidence is currently insufficient to determine the role of this variant in disease. Therefore, it has been classified as a Variant of Uncertain Significance.

Practice for Gait Abnormalities, David Pomarino, Competency Network Toe Walking C/o Practice Pomarino
Classification: Likely pathogenic for Tip-toe gait. Last evaluated: 2021-08-19. Review status: criteria provided, single submitter. Criteria: Pomarino et al. (Glob Med Genet. 2026). Collection method: clinical testing. Allele origin: germline. Affected: yes.

NM_002972.4(SBF1):c.4735G>C (p.Val1579Leu)

Gene: SBF1 (SET binding factor 1; minus strand). Cytogenetic location: 22q13.33.
Variant type: single nucleotide variant.
Coding change: c.4735G>C on transcript NM_002972.4 (MANE Select); coding-DNA position 4735, G replaced by C.
Protein change: p.Val1579Leu; replaces valine 1579 with leucine.
Molecular consequence: missense variant.
Genome position (GRCh38, 1-based): chr22:50,454,891, C>G on the plus strand (G>C on the coding strand, the complement: SBF1 is on the minus strand). VCF-style: chr22-50454891-C-G. GRCh37 (hg19) VCF-style: chr22-50893320-C-G.
Other names: c.4735G>C (NM_002972.3, NM_002972.2); c.4660G>C, p.Val1554Leu (NM_001365819.1); short protein forms V1579L, V1554L.
Identifiers: ClinVar variation 1380675 (VCV001380675.5), dbSNP rs1349773838, ClinGen allele CA412193354.